The following is an entry in ClinVar:

NM_004415.4(DSP):c.5795G>A (p.Arg1932His)

Gene: DSP (desmoplakin; plus strand). Cytogenetic location: 6p24.3.
Variant type: single nucleotide variant.
Coding change: c.5795G>A on transcript NM_004415.4 (MANE Select); coding-DNA position 5795, G replaced by A.
Protein change: p.Arg1932His; replaces arginine 1932 with histidine.
Molecular consequence: missense variant.
Genome position (GRCh38, 1-based): chr6:7,583,057, G>A. VCF-style: chr6-7583057-G-A. GRCh37 (hg19) VCF-style: chr6-7583290-G-A.
Other names: c.3998G>A, p.Arg1333His (NM_001008844.3); c.4466G>A, p.Arg1489His (NM_001319034.2); short protein forms R1333H, R1932H, R1489H.
Identifiers: ClinVar variation 925155 (VCV000925155.23), dbSNP rs770522444, ClinGen allele CA045698.
Genomic context (GRCh38, chr6:7,583,057, plus strand): 5'-GGTGCAGGCGTAAGCTGGAGGATTCTACCAGGGAGACACAGTCACAGTTAGAAACAGAAC[G>A]CTCCCGATATCAGAGGGAGATTGATAAACTCAGACAGCGCCCATATGGGTCCCATCGAGA-3'
Protein context (NP_004406.2, residues 1922-1942): RETQSQLETE[Arg1932His]SRYQREIDKL

ClinVar aggregate classification (germline): Conflicting classifications of pathogenicity. Review status: criteria provided, conflicting classifications (1 of 4 stars). 9 submissions from 9 submitters: Uncertain significance (8); Likely benign (1). Last evaluated 2026-01-09.

Conditions:
Arrhythmogenic cardiomyopathy with wooly hair and keratoderma. Also called: PALMOPLANTAR KERATODERMA WITH LEFT VENTRICULAR CARDIOMYOPATHY AND WOOLLY HAIR; Carvajal syndrome; Dilated cardiomyopathy with woolly hair and keratoderma; Arrhythmogenic cardiomyopathy with woolly hair and keratoderma. Identifiers: Orphanet 65282, MedGen C1854063, MONDO:0011581, OMIM 605676.
Arrhythmogenic right ventricular dysplasia 8 (ARVD8). Also called: Arrhythmogenic Right Ventricular Dysplasia/Cardiomyopathy 8; ARRHYTHMOGENIC RIGHT VENTRICULAR CARDIOMYOPATHY 8; ARRHYTHMOGENIC RIGHT VENTRICULAR DYSPLASIA, FAMILIAL, 8. Identifiers: MedGen C1843896, MONDO:0011831, OMIM 607450.
Cardiovascular phenotype. Identifiers: MedGen CN230736.
DSP-related disorder. Also called: DSP-related condition; DSP-related disorders.
Cardiomyopathy, dilated, with wooly hair, keratoderma, and tooth agenesis. Also called: Cardiomyopathy, dilated, with woolly hair, keratoderma, and tooth agenesis; Erythrokeratodermia-cardiomyopathy syndrome. Identifiers: Orphanet 476096, Orphanet 65282, MedGen C4014393, MONDO:0014355, OMIM 615821.
Keratosis palmoplantaris striata 2. Also called: KERATODERMA, PALMOPLANTAR, STRIATE FORM II; STRIATE PALMOPLANTAR KERATODERMA II; Keratosis palmoplantaris striata II. Identifiers: MedGen C1852127, MONDO:0013034, OMIM 612908.
Woolly hair-skin fragility syndrome (WHSF). Identifiers: Orphanet 293165, MedGen C1843292, MONDO:0957307, OMIM 620415.
Lethal acantholytic epidermolysis bullosa (EBLA). Identifiers: Orphanet 158687, MedGen C1864826, MONDO:0012323, OMIM 609638.
Cardiomyopathy (CMYO). Also called: Cardiomyopathies. Identifiers: Orphanet 167848, MedGen C0878544, MONDO:0004994, HP:0001638. Inheritance: Various modes of inheritance.

Allele frequency attached by ClinVar (database versions not stated): ExAC 0.00002; gnomAD exomes 0.00002 and 0.00004; TOPMed 0.00002; gnomAD 0.00004.
gnomAD v4.1: 58 of 1,613,908 alleles (0.0036%); highest among the groups gnomAD compares: African/African-American, 0.0067%; no homozygotes.

Submissions (9):

Labcorp Genetics (formerly Invitae), Labcorp
Classification: Likely benign for Arrhythmogenic cardiomyopathy with wooly hair and keratoderma; Arrhythmogenic right ventricular dysplasia 8. Last evaluated: 2026-01-09. Review status: criteria provided, single submitter. Criteria: Invitae Variant Classification Sherloc (09022015). Collection method: clinical testing. Allele origin: germline.

PreventionGenetics, part of Exact Sciences
Classification: Uncertain significance for DSP-related condition. Last evaluated: 2025-12-12. Review status: criteria provided, single submitter. Criteria: ACMG Guidelines, 2015. Collection method: clinical testing. Allele origin: germline.
Comment: The DSP c.5795G>A variant is predicted to result in the amino acid substitution p.Arg1932His. To our knowledge, this variant has not been reported in the literature. This variant is reported in 0.011% of alleles in individuals of Latino descent in gnomAD. At this time, the clinical significance of this variant is uncertain due to the absence of conclusive functional and genetic evidence.

GeneDx
Classification: Uncertain significance. Last evaluated: 2024-11-21. Review status: criteria provided, single submitter. Criteria: GeneDx Variant Classification Process June 2021. Collection method: clinical testing. Allele origin: germline. Affected: yes.
Comment: Has not been previously published as pathogenic or benign to our knowledge; In silico analysis indicates that this missense variant does not alter protein structure/function

Ambry Genetics
Classification: Uncertain significance for Cardiovascular phenotype. Last evaluated: 2024-08-16. Review status: criteria provided, single submitter. Criteria: Ambry Variant Classification Scheme 2023. Collection method: clinical testing. Allele origin: germline.
Comment: The p.R1932H variant (also known as c.5795G>A), located in coding exon 24 of the DSP gene, results from a G to A substitution at nucleotide position 5795. The arginine at codon 1932 is replaced by histidine, an amino acid with highly similar properties. This amino acid position is conserved. In addition, the in silico prediction for this alteration is inconclusive. Since supporting evidence is limited at this time, the clinical significance of this alteration remains unclear.

All of Us Research Program, National Institutes of Health
Classification: Uncertain significance for Arrhythmogenic cardiomyopathy with wooly hair and keratoderma. Last evaluated: 2024-07-20. Review status: criteria provided, single submitter. Criteria: ACMG Guidelines, 2015. Collection method: clinical testing. Allele origin: germline. Inheritance: Autosomal dominant inheritance. Observed: 8 variant alleles, 8 heterozygotes.
Comment: This missense variant replaces arginine with histidine at codon 1932 of the DSP protein. Computational prediction suggests that this variant may not impact protein structure and function (internally defined REVEL score threshold <= 0.5, PMID: 27666373). To our knowledge, functional studies have not been reported for this variant. This variant has not been reported in individuals affected with cardiovascular disorders in the literature. This variant has been identified in 8/281990 chromosomes in the general population by the Genome Aggregation Database (gnomAD). The available evidence is insufficient to determine the role of this variant in disease conclusively. Therefore, this variant is classified as a Variant of Uncertain Significance.

This study involves interpretation of variants in research participants for the purpose of population health screening. Participant phenotype was not available at the time of variant classification. Additional details can be found in publication PMID: 35346344, PMCID: PMC8962531

Color Diagnostics, LLC DBA Color Health
Classification: Uncertain significance for Cardiomyopathy. Last evaluated: 2024-03-06. Review status: criteria provided, single submitter. Criteria: ACMG Guidelines, 2015. Collection method: clinical testing. Allele origin: germline.
Comment: This missense variant replaces arginine with histidine at codon 1932 of the DSP protein. Computational prediction suggests that this variant may not impact protein structure and function (internally defined REVEL score threshold <= 0.5, PMID: 27666373). To our knowledge, functional studies have not been reported for this variant. This variant has not been reported in individuals affected with cardiovascular disorders in the literature. This variant has been identified in 8/281990 chromosomes in the general population by the Genome Aggregation Database (gnomAD). The available evidence is insufficient to determine the role of this variant in disease conclusively. Therefore, this variant is classified as a Variant of Uncertain Significance.

Fulgent Genetics
Classification: Uncertain significance for Arrhythmogenic cardiomyopathy with wooly hair and keratoderma; Arrhythmogenic right ventricular dysplasia 8; Lethal acantholytic epidermolysis bullosa; Keratosis palmoplantaris striata 2; Cardiomyopathy, dilated, with wooly hair, keratoderma, and tooth agenesis. Last evaluated: 2021-09-20. Review status: criteria provided, single submitter. Criteria: ACMG Guidelines, 2015. Collection method: clinical testing. Allele origin: unknown.

Women's Health and Genetics/Laboratory Corporation of America, LabCorp
Classification: Uncertain significance. Last evaluated: 2020-08-10. Review status: criteria provided, single submitter. Criteria: LabCorp Variant Classification Summary - May 2015. Collection method: clinical testing. Allele origin: germline.
Comment: Variant summary: DSP c.5795G>A (p.Arg1932His) results in a non-conservative amino acid change in the encoded protein sequence. Three of five in-silico tools predict a benign effect of the variant on protein function. The variant allele was found at a frequency of 2.4e-05 in 250630 control chromosomes (gnomAD). The available data on variant occurrences in the general population are insufficient to allow any conclusion about variant significance. To our knowledge, no occurrence of c.5795G>A in individuals affected with Arrhythmogenic Right Ventricular Dysplasia/Cardiomyopathy and no experimental evidence demonstrating its impact on protein function have been reported. One ClinVar submitter (evaluation after 2014) cites the variant as uncertain significance. Based on the evidence outlined above, the variant was classified as uncertain significance.

Blueprint Genetics
Classification: Uncertain significance. Last evaluated: 2017-07-20. Review status: criteria provided, single submitter. Criteria: ACMG Guidelines, 2015. Collection method: clinical testing. Allele origin: germline.